The following is an entry in ClinVar:

NM_001080449.3(DNA2):c.1503A>G (p.Gln501=)

Gene: DNA2 (DNA replication helicase/nuclease 2; minus strand). Cytogenetic location: 10q21.3.
Variant type: single nucleotide variant.
Coding change: c.1503A>G on transcript NM_001080449.3 (MANE Select); coding-DNA position 1503, A replaced by G.
Protein change: p.Gln501=; no amino-acid change (glutamine 501 retained).
Molecular consequence: synonymous variant. On other transcripts: non-coding transcript variant (1).
Genome position (GRCh38, 1-based): chr10:68,437,154, T>C on the plus strand (A>G on the coding strand, the complement: DNA2 is on the minus strand). VCF-style: chr10-68437154-T-C. GRCh37 (hg19) VCF-style: chr10-70196911-T-C.
Identifiers: ClinVar variation 506859 (VCV000506859.16), dbSNP rs556056148, ClinGen allele CA5525054.
Genomic context (GRCh38, chr10:68,437,154, plus strand): 5'-ACTTACAATAACTCTGTCACCTGCCATTAGATTTGTGACAGGTATGGCACCATGTTTACA[T>C]TGGAAATTATGTAAATATTGCCCATCACAAACTATCTTTACATGTTCCATTCTAATCAGG-3'
Protein context (NP_001073918.2, residues 491-511): VCDGQYLHNF[Gln501=]CKHGAIPVTN

ClinVar aggregate classification (germline): Benign. Review status: criteria provided, multiple submitters, no conflicts (2 of 4 stars). 3 submissions from 3 submitters: Benign (2). 1 of the submissions does not count toward it. Last evaluated 2026-01-24.

Conditions:
DNA2-related disorder. Also called: DNA2-related condition.

Allele frequency attached by ClinVar (database versions not stated): gnomAD 0.00001 and 0.00031; TOPMed 0.00002; gnomAD exomes 0.00058 and 0.00116; ExAC 0.00118; 1000 Genomes Project 0.00140; 1000 Genomes Project 30x 0.00141.

Submissions (3):

Labcorp Genetics (formerly Invitae), Labcorp
Classification: Benign. Last evaluated: 2026-01-24. Review status: criteria provided, single submitter. Criteria: Invitae Variant Classification Sherloc (09022015). Collection method: clinical testing. Allele origin: germline.

GeneDx
Classification: Benign. Last evaluated: 2019-11-05. Review status: criteria provided, single submitter. Criteria: GeneDx Variant Classification Process June 2021. Collection method: clinical testing. Allele origin: germline. Affected: yes.

PreventionGenetics, part of Exact Sciences
Classification: Benign for DNA2-related condition. Last evaluated: 2019-05-02. Review status: no assertion criteria provided. Collection method: clinical testing. Allele origin: germline. Not counted in ClinVar's aggregate classification.
Comment: This variant is classified as benign based on ACMG/AMP sequence variant interpretation guidelines (Richards et al. 2015 PMID: 25741868, with internal and published modifications).